The following is an entry in ClinVar:

ClinVar aggregate classification (germline): Uncertain significance (1 of 4 stars; one submission).

Conditions:
Glycogen storage disease, type VI (GSD6). Also called: Glycogen storage disease type 6; Hepatic glycogen phosphorylase deficiency; HERS DISEASE; PHOSPHORYLASE DEFICIENCY GLYCOGEN-STORAGE DISEASE OF LIVER; Glycogen storage disease type 6, due to phosphorylation; GSD VI. Identifiers: Orphanet 369, MedGen C0017925, MONDO:0009294, OMIM 232700.

gnomAD v4.1: 3 of 1,613,898 alleles (0.00019%); highest among the groups gnomAD compares: South Asian, 0.0033%; no homozygotes.

Submission:

Centre for Medical Genetics,  Mumbai
Classification: Uncertain significance for Glycogen storage disease, type VI. Last evaluated: 2025-12-03. Review status: criteria provided, single submitter. Criteria: ACMG Guidelines, 2015. Collection method: provider interpretation. Allele origin: germline. Inheritance: Autosomal recessive inheritance. Affected: yes. Observed: 1 homozygote.
Comment: The variant satisfies PM2 criteria, very low frequency in population database gnomAD in heterozygous state(frequency 0.000001859). Splice AI insilico tool suggests that the variant causes aberrant splicing (score is 0.95). MutationTaster also predicts this as disease causing (Probability 0.99, mechanism is aberrant splicing). Hence, the variant also satisfies PP3 criteria. This variant is absent in our internal database.

Literature cited by the submitters: PubMed 26986878.

NM_002863.5(PYGL):c.639G>T (p.Gly213=)

Gene: PYGL (glycogen phosphorylase L; minus strand). Cytogenetic location: 14q22.1.
Variant type: single nucleotide variant.
Coding change: c.639G>T on transcript NM_002863.5 (MANE Select); coding-DNA position 639, G replaced by T.
Protein change: p.Gly213=; no amino-acid change (glycine 213 retained).
Molecular consequence: synonymous variant.
Genome position (GRCh38, 1-based): chr14:50,923,990, C>A on the plus strand (G>T on the coding strand, the complement: PYGL is on the minus strand). VCF-style: chr14-50923990-C-A. GRCh37 (hg19) VCF-style: chr14-51390708-C-A.
Other names: c.537G>T, p.Gly179= (NM_001163940.2).
Identifiers: ClinVar variation 4538474 (VCV004538474.1).
Genomic context (GRCh38, chr14:50,923,990, plus strand): 5'-TACTATACAAAACGCTGGCTATACGAGCACTCTGAATACTTGAGTGTCAATCCACTTGGT[C>A]CCGGTGTTGGTGTGTTCTACTTTTCCATAGAAGTGCACAGGCAGCATGAATTCTGGGCGG-3'
Protein context (NP_002854.3, residues 203-223): FYGKVEHTNT[Gly213=]TKWIDTQVVL